The following is an entry in ClinVar:

NM_001110556.2(FLNA):c.3103C>T (p.Pro1035Ser)

Gene: FLNA (filamin A; minus strand). Cytogenetic location: Xq28.
Variant type: single nucleotide variant.
Coding change: c.3103C>T on transcript NM_001110556.2 (MANE Select); coding-DNA position 3103, C replaced by T.
Protein change: p.Pro1035Ser; replaces proline 1035 with serine.
Molecular consequence: missense variant.
Genome position (GRCh38, 1-based): chrX:154,361,412, G>A on the plus strand (C>T on the coding strand, the complement: FLNA is on the minus strand). VCF-style: chrX-154361412-G-A. GRCh37 (hg19) VCF-style: chrX-153589780-G-A.
Other names: c.3103C>T, p.Pro1035Ser (NM_001456.4); short protein forms P1035S.
Identifiers: ClinVar variation 2572152 (VCV002572152.1), dbSNP rs2148113483, ClinGen allele CA415230427.

ClinVar aggregate classification (germline): Uncertain significance (1 of 4 stars; one submission).

Conditions:
Thrombocytopenia. Identifiers: MedGen C0040034, MeSH D013921, MONDO:0002049, HP:0001873.

Allele frequency attached by ClinVar (database versions not stated): gnomAD exomes below 0.00001.
gnomAD v4.1: 1 of 1,210,647 alleles (0.000083%); highest among the groups gnomAD compares: African/African-American, 0.0017%; no homozygotes.

Submission:

ISTH-SSC Genomics in Thrombosis and Hemostasis, KU Leuven, Center for Molecular and Vascular Biology
Classification: Uncertain significance for Thrombocytopenia. Review status: criteria provided, single submitter. Criteria: ACMG Guidelines, 2015. Collection method: clinical testing. Allele origin: germline. Affected: yes. Observed: 1 hemizygote.
Comment: Submitted to the GoldVariant database by Kathleen Freson, Center for Molecular and Vascular Biology